The following is an entry in ClinVar:

ClinVar aggregate classification (germline): Uncertain significance (1 of 4 stars; one submission).

Conditions:
Inborn genetic diseases. Identifiers: MedGen C0950123, MeSH D030342.

gnomAD v4.1: 11 of 1,612,582 alleles (0.00068%); highest among the groups gnomAD compares: South Asian, 0.0011%; no homozygotes.

Submission:

Ambry Genetics
Classification: Uncertain significance for Inborn genetic diseases. Last evaluated: 2024-07-30. Review status: criteria provided, single submitter. Criteria: Ambry Variant Classification Scheme 2023. Collection method: clinical testing. Allele origin: germline.
Comment: The p.N580S variant (also known as c.1739A>G), located in coding exon 11 of the CDH2 gene, results from an A to G substitution at nucleotide position 1739. The asparagine at codon 580 is replaced by serine, an amino acid with highly similar properties. This amino acid position is conserved. In addition, this alteration is predicted to be tolerated by in silico analysis. Based on the available evidence, the clinical significance of this variant remains unclear.

NM_001792.5(CDH2):c.1739A>G (p.Asn580Ser)

Gene: CDH2 (cadherin 2; minus strand). Cytogenetic location: 18q12.1.
Variant type: single nucleotide variant.
Coding change: c.1739A>G on transcript NM_001792.5 (MANE Select); coding-DNA position 1739, A replaced by G.
Protein change: p.Asn580Ser; replaces asparagine 580 with serine.
Molecular consequence: missense variant.
Genome position (GRCh38, 1-based): chr18:27,988,526, T>C on the plus strand (A>G on the coding strand, the complement: CDH2 is on the minus strand). VCF-style: chr18-27988526-T-C. GRCh37 (hg19) VCF-style: chr18-25568490-T-C.
Other names: c.1646A>G, p.Asn549Ser (NM_001308176.2); short protein forms N549S, N580S.
Identifiers: ClinVar variation 3488840 (VCV003488840.1).